The following is an entry in ClinVar:

ClinVar aggregate classification (germline): Pathogenic (1 of 4 stars; one submission).

Submission:

GeneDx
Classification: Pathogenic. Last evaluated: 2024-03-18. Review status: criteria provided, single submitter. Criteria: GeneDx Variant Classification Process June 2021. Collection method: clinical testing. Allele origin: germline. Affected: yes.
Comment: Nonsense variant predicted to result in protein truncation or nonsense mediated decay in a gene for which loss of function is a known mechanism of disease; Not observed at significant frequency in large population cohorts (gnomAD); This variant is associated with the following publications: (PMID: 25525159, 21185603, 15284122)

NM_000377.3(WAS):c.291G>A (p.Trp97Ter)

Gene: WAS (WASP actin nucleation promoting factor; plus strand). Cytogenetic location: Xp11.23.
Variant type: single nucleotide variant.
Coding change: c.291G>A on transcript NM_000377.3 (MANE Select); coding-DNA position 291, G replaced by A.
Protein change: p.Trp97Ter; replaces tryptophan 97 with a stop codon.
Molecular consequence: nonsense.
Genome position (GRCh38, 1-based): chrX:48,685,564, G>A. VCF-style: chrX-48685564-G-A. GRCh37 (hg19) VCF-style: chrX-48543953-G-A.
Other names: short protein forms W97*.
Identifiers: ClinVar variation 3340620 (VCV003340620.1).